The following is an entry in ClinVar:

ClinVar aggregate classification (germline): Uncertain significance (1 of 4 stars; one submission).

Conditions:
Werner syndrome (WRN). Identifiers: Orphanet 902, MedGen C0043119, MONDO:0010196, OMIM 277700.

gnomAD v4.1: 2 of 1,613,220 alleles (0.00012%); highest among the groups gnomAD compares: Non-Finnish European, 0.00017%; no homozygotes.

Submission:

Labcorp Genetics (formerly Invitae), Labcorp
Classification: Uncertain significance for Werner syndrome. Last evaluated: 2021-04-05. Review status: criteria provided, single submitter. Criteria: Invitae Variant Classification Sherloc (09022015). Collection method: clinical testing. Allele origin: germline.
Comment: This sequence change replaces leucine with serine at codon 1338 of the WRN protein (p.Leu1338Ser). The leucine residue is moderately conserved and there is a large physicochemical difference between leucine and serine. This variant is not present in population databases (ExAC no frequency). This variant has not been reported in the literature in individuals with WRN-related conditions. Algorithms developed to predict the effect of missense changes on protein structure and function are either unavailable or do not agree on the potential impact of this missense change (SIFT: "Not Available"; PolyPhen-2: "Benign"; Align-GVGD: "Not Available"). In summary, the available evidence is currently insufficient to determine the role of this variant in disease. Therefore, it has been classified as a Variant of Uncertain Significance.

NM_000553.6(WRN):c.4013T>C (p.Leu1338Ser)

Gene: WRN (WRN RecQ like helicase; plus strand). Cytogenetic location: 8p12.
Variant type: single nucleotide variant.
Coding change: c.4013T>C on transcript NM_000553.6 (MANE Select); coding-DNA position 4013, T replaced by C.
Protein change: p.Leu1338Ser; replaces leucine 1338 with serine.
Molecular consequence: missense variant.
Genome position (GRCh38, 1-based): chr8:31,167,052, T>C. VCF-style: chr8-31167052-T-C. GRCh37 (hg19) VCF-style: chr8-31024568-T-C.
Other names: short protein forms L1338S.
Identifiers: ClinVar variation 1486670 (VCV001486670.6), dbSNP rs2130514267, ClinGen allele CA370908660.
Genomic context (GRCh38, chr8:31,167,052, plus strand): 5'-TTTGAAATGGAGTTTTTTTATCGTTTACAGATATGAGTAAAATTAGCCTAATCAGAATGT[T>C]AGTTCCTGAAAACATTGACACGTACCTTATCCACATGGCAATTGAGATCCTTAAACATGG-3'
Protein context (NP_000544.2, residues 1328-1348): DMSKISLIRM[Leu1338Ser]VPENIDTYLI